The following is an entry in ClinVar:

ClinVar aggregate classification (germline): Uncertain significance. Review status: criteria provided, multiple submitters, no conflicts (2 of 4 stars). 2 submissions from 2 submitters: Uncertain significance (2). Last evaluated 2026-03-27.

Conditions:
EYS-related disorder. Also called: EYS-related condition.
Inborn genetic diseases. Identifiers: MedGen C0950123, MeSH D030342.

gnomAD v4.1: 15 of 1,551,388 alleles (0.00097%); highest among the groups gnomAD compares: African/African-American, 0.0014%; no homozygotes.

Submissions (2):

PreventionGenetics, part of Exact Sciences
Classification: Uncertain significance for EYS-related condition. Last evaluated: 2026-03-27. Review status: criteria provided, single submitter. Criteria: ACMG Guidelines, 2015. Collection method: clinical testing. Allele origin: germline.
Comment: The EYS c.6378C>G variant is predicted to result in the amino acid substitution p.Phe2126Leu. To our knowledge, this variant has not been reported in the literature. This variant is present in 0.0065% of alleles in individuals of European (Non-Finnish) descent in gnomAD. At this time, the clinical significance of this variant is uncertain due to the absence of conclusive functional and genetic evidence.

Ambry Genetics
Classification: Uncertain significance for Inborn genetic diseases. Last evaluated: 2024-03-28. Review status: criteria provided, single submitter. Criteria: Ambry Variant Classification Scheme 2023. Collection method: clinical testing. Allele origin: germline.

NM_001142800.2(EYS):c.6378C>G (p.Phe2126Leu)

Gene: EYS (EGF-like photoreceptor maintenance factor; minus strand). Cytogenetic location: 6q12.
Variant type: single nucleotide variant.
Coding change: c.6378C>G on transcript NM_001142800.2 (MANE Select); coding-DNA position 6378, C replaced by G.
Protein change: p.Phe2126Leu; replaces phenylalanine 2126 with leucine.
Molecular consequence: missense variant.
Genome position (GRCh38, 1-based): chr6:64,230,638, G>C on the plus strand (C>G on the coding strand, the complement: EYS is on the minus strand). VCF-style: chr6-64230638-G-C. GRCh37 (hg19) VCF-style: chr6-64940531-G-C.
Other names: c.6378C>G, p.Phe2126Leu (NM_001292009.2); short protein forms F2126L.
Identifiers: ClinVar variation 3276896 (VCV003276896.2).
Genomic context (GRCh38, chr6:64,230,638, plus strand): 5'-TGAAGATTGATTACCTTTTTCACAGAAGCGGCCAGTGAAATGTAGTGGACAGTCACATTG[G>C]AATGACACTATGCCACTGGAGAGGAAGATGGCATGGCATGTGCCTCCATTGTGGCATACA-3'
Protein context (NP_001136272.1, residues 2116-2136): AIFLSSGIVS[Phe2126Leu]QCDCPLHFTG